The following is an entry in ClinVar:

ClinVar aggregate classification (germline): Conflicting classifications of pathogenicity. Review status: criteria provided, conflicting classifications (1 of 4 stars). 3 submissions from 3 submitters: Uncertain significance (2); Likely benign (1). Last evaluated 2023-03-23.

Conditions:
Hereditary cancer-predisposing syndrome. Also called: Hereditary Cancer Syndrome; Tumor predisposition; Hereditary neoplastic syndrome; Neoplastic Syndromes, Hereditary. Identifiers: Orphanet 140162, MedGen C0027672, MeSH D009386, MONDO:0015356.
Hereditary breast ovarian cancer syndrome. Also called: Hereditary breast and ovarian cancer syndrome (HBOC); Breast and ovarian cancer; Hereditary breast and ovarian cancer syndrome; Hereditary breast and ovarian cancer; Hereditary breast and/or ovarian cancer syndrome; BRCA1- and BRCA2-Associated Hereditary Breast and Ovarian Cancer. Identifiers: Orphanet 145, MedGen C0677776, MeSH D061325, MONDO:0003582. Disease mechanism: loss of function.

Submissions (3):

University of Washington Department of Laboratory Medicine, University of Washington
Classification: Likely benign for Hereditary cancer-predisposing syndrome. Last evaluated: 2023-03-23. Review status: criteria provided, single submitter. Criteria: Dines et al. (Genet Med. 2020). Collection method: curation. Allele origin: germline.
Comment: Missense variant in a coldspot region where missense variants are very unlikely to be pathogenic (PMID:31911673).

BRCA2 exon 11 coldspot. Reclassification based on statistical prior probability.

Labcorp Genetics (formerly Invitae), Labcorp
Classification: Uncertain significance for Hereditary breast ovarian cancer syndrome. Last evaluated: 2020-05-06. Review status: criteria provided, single submitter. Criteria: Invitae Variant Classification Sherloc (09022015). Collection method: clinical testing. Allele origin: germline.
Comment: In summary, the available evidence is currently insufficient to determine the role of this variant in disease. Therefore, it has been classified as a Variant of Uncertain Significance. Algorithms developed to predict the effect of missense changes on protein structure and function output the following: SIFT: "Tolerated"; PolyPhen-2: "Benign"; Align-GVGD: "Class C0". The isoleucine amino acid residue is found in multiple mammalian species, suggesting that this missense change does not adversely affect protein function. These predictions have not been confirmed by published functional studies and their clinical significance is uncertain. This variant is not present in population databases (ExAC no frequency). This sequence change replaces threonine with isoleucine at codon 1647 of the BRCA2 protein (p.Thr1647Ile). The threonine residue is weakly conserved and there is a moderate physicochemical difference between threonine and isoleucine.

Ambry Genetics
Classification: Uncertain significance for Hereditary cancer-predisposing syndrome. Last evaluated: 2020-03-24. Review status: criteria provided, single submitter. Criteria: Ambry Variant Classification Scheme 2023. Collection method: clinical testing. Allele origin: germline.
Comment: The p.T1647I variant (also known as c.4940C>T), located in coding exon 10 of the BRCA2 gene, results from a C to T substitution at nucleotide position 4940. The threonine at codon 1647 is replaced by isoleucine, an amino acid with similar properties. This amino acid position is not well conserved in available vertebrate species. In addition, this alteration is predicted to be tolerated by in silico analysis. Since supporting evidence is limited at this time, the clinical significance of this alteration remains unclear.

NM_000059.4(BRCA2):c.4940C>T (p.Thr1647Ile)

Gene: BRCA2 (BRCA2 DNA repair associated; plus strand). Cytogenetic location: 13q13.1.
Variant type: single nucleotide variant.
Coding change: c.4940C>T on transcript NM_000059.4 (MANE Select); coding-DNA position 4940, C replaced by T.
Protein change: p.Thr1647Ile; replaces threonine 1647 with isoleucine.
Molecular consequence: missense variant.
Genome position (GRCh38, 1-based): chr13:32,339,295, C>T. VCF-style: chr13-32339295-C-T. GRCh37 (hg19) VCF-style: chr13-32913432-C-T.
Other names: short protein forms T1647I.
Identifiers: ClinVar variation 1044374 (VCV001044374.12), dbSNP rs1593903891, ClinGen allele CA387783711.